The following is an entry in ClinVar:

NM_001458.5(FLNC):c.7780+10A>G

Genes: FLNC (filamin C; plus strand), FLNC-AS1 (FLNC antisense RNA 1; minus strand). Cytogenetic location: 7q32.1.
Variant type: single nucleotide variant.
Coding change: c.7780+10A>G on transcript NM_001458.5 (MANE Select); 10 bases into the intron after coding-DNA position 7780, A replaced by G.
Molecular consequence: intron variant.
Genome position (GRCh38, 1-based): chr7:128,857,346, A>G. VCF-style: chr7-128857346-A-G. GRCh37 (hg19) VCF-style: chr7-128497400-A-G.
Other names: p.?; c.7681+10A>G (NM_001127487.2).
Identifiers: ClinVar variation 129098 (VCV000129098.57), dbSNP rs201149834, ClinGen allele CA152883.

ClinVar aggregate classification (germline): Benign/Likely benign. Review status: criteria provided, multiple submitters, no conflicts (2 of 4 stars). 14 submissions from 14 submitters: Benign (6); Likely benign (4). 4 of the submissions do not count toward it. Last evaluated 2026-09-01.

Conditions:
Hypertrophic cardiomyopathy 26. Also called: Cardiomyopathy, familial hypertrophic, 26. Identifiers: Orphanet 75249, MedGen C4310749, MONDO:0014883, OMIM 617047.
Myofibrillar myopathy 5. Also called: FILAMINOPATHY, AUTOSOMAL DOMINANT; Filaminopathy (type). Identifiers: Orphanet 171445, MedGen C1836050, MONDO:0012289, OMIM 609524.
Distal myopathy with posterior leg and anterior hand involvement. Also called: WILLIAMS DISTAL MYOPATHY. Identifiers: Orphanet 63273, MedGen C3279722, MONDO:0013550, OMIM 614065.
Cardiomyopathy (CMYO). Also called: Cardiomyopathies. Identifiers: Orphanet 167848, MedGen C0878544, MONDO:0004994, HP:0001638. Inheritance: Various modes of inheritance.

Allele frequency attached by ClinVar (database versions not stated): gnomAD exomes 0.00183 and 0.00281; gnomAD 0.00403; 1000 Genomes Project 30x 0.00500; ExAC 0.00500.
gnomAD v4.1: 3,264 of 1,599,408 alleles (0.2%); highest among the groups gnomAD compares: African/African-American, 1.1%; 5 homozygotes.

Submissions (14):

CeGaT Center for Human Genetics Tuebingen
Classification: Likely benign. Last evaluated: 2026-09-01. Review status: criteria provided, single submitter. Criteria: CeGaT Center For Human Genetics Tuebingen Variant Classification Criteria Version 2. Collection method: clinical testing. Allele origin: germline. Affected: yes. Observed: 18 variant alleles.
Comment: FLNC: BS1

Labcorp Genetics (formerly Invitae), Labcorp
Classification: Benign for Distal myopathy with posterior leg and anterior hand involvement; Myofibrillar myopathy 5; Hypertrophic cardiomyopathy 26. Last evaluated: 2026-02-03. Review status: criteria provided, single submitter. Criteria: Invitae Variant Classification Sherloc (09022015). Collection method: clinical testing. Allele origin: germline.

Mayo Clinic Laboratories, Mayo Clinic
Classification: Benign. Last evaluated: 2025-10-03. Review status: criteria provided, single submitter. Criteria: ACMG Guidelines, 2015. Collection method: clinical testing. Allele origin: germline. Observed: 13 variant alleles.
Comment: BS1, BS2, BP4, BP7

ARUP Laboratories, Molecular Genetics and Genomics, ARUP Laboratories
Classification: Benign. Last evaluated: 2025-06-02. Review status: criteria provided, single submitter. Criteria: ARUP Molecular Germline Variant Investigation Process 2024. Collection method: clinical testing. Allele origin: germline.

Blueprint Genetics
Classification: Likely benign. Last evaluated: 2024-11-25. Review status: criteria provided, single submitter. Criteria: ACMG Guidelines, 2015. Collection method: clinical testing. Allele origin: germline.

Women's Health and Genetics/Laboratory Corporation of America, LabCorp
Classification: Benign. Last evaluated: 2023-08-19. Review status: criteria provided, single submitter. Criteria: LabCorp Variant Classification Summary - May 2015. Collection method: clinical testing. Allele origin: germline.

CHEO Genetics Diagnostic Laboratory, Children's Hospital of Eastern Ontario
Classification: Benign for Cardiomyopathy. Last evaluated: 2023-01-31. Review status: criteria provided, single submitter. Criteria: ACMG Guidelines, 2015. Collection method: clinical testing. Allele origin: germline.

GeneDx
Classification: Likely benign. Last evaluated: 2017-05-19. Review status: criteria provided, single submitter. Criteria: GeneDx Variant Classification (06012015). Collection method: clinical testing. Allele origin: germline. Affected: yes.
Comment: This variant is considered likely benign or benign based on one or more of the following criteria: it is a conservative change, it occurs at a poorly conserved position in the protein, it is predicted to be benign by multiple in silico algorithms, and/or has population frequency not consistent with disease.

Breakthrough Genomics
Classification: Likely benign. Review status: criteria provided, single submitter. Criteria: ACMG Guidelines, 2015. Collection method: not provided. Allele origin: germline. Inheritance: Autosomal dominant inheritance. Affected: yes.

PreventionGenetics, part of Exact Sciences
Classification: Benign. Review status: criteria provided, single submitter. Criteria: ACMG Guidelines, 2015. Collection method: clinical testing. Allele origin: germline.

Clinical Genetics DNA and cytogenetics Diagnostics Lab, Erasmus MC, Erasmus Medical Center
Classification: Benign. Review status: no assertion criteria provided. Collection method: clinical testing. Allele origin: germline. Affected: yes. Study: VKGL Data-share Consensus. Not counted in ClinVar's aggregate classification.

Clinical Genetics, Academic Medical Center
Classification: Benign. Review status: no assertion criteria provided. Collection method: clinical testing. Allele origin: germline. Affected: yes. Study: VKGL Data-share Consensus. Not counted in ClinVar's aggregate classification.

Genetic Services Laboratory, University of Chicago
Classification: Likely benign for AllHighlyPenetrant. Review status: no assertion criteria provided. Collection method: clinical testing. Allele origin: germline. Inheritance: Autosomal dominant inheritance. Not counted in ClinVar's aggregate classification.
Comment: Likely benign based on allele frequency in 1000 Genomes Project or ESP global frequency and its presence in a patient with a rare or unrelated disease phenotype. NOT Sanger confirmed.

Genome Diagnostics Laboratory, University Medical Center Utrecht
Classification: Benign. Review status: no assertion criteria provided. Collection method: clinical testing. Allele origin: germline. Affected: yes. Study: VKGL Data-share Consensus. Not counted in ClinVar's aggregate classification.